The following is an entry in ClinVar:

ClinVar aggregate classification (germline): Uncertain significance (1 of 4 stars; one submission).

Conditions:
Multiple Myeloma Predisposition.

gnomAD v4.1: 16 of 1,586,456 alleles (0.001%); highest among the groups gnomAD compares: Admixed American, 0.022%; no homozygotes.

Submissions (3):

Institute for Genomic Medicine (IGM) Clinical Laboratory, Nationwide Children's Hospital
Classification: Uncertain significance for Multiple Myeloma Predisposition. Last evaluated: 2025-03-13. Review status: criteria provided, single submitter. Criteria: ACMG Guidelines, 2015. Collection method: clinical testing. Allele origin: germline.
Comment: This variant is predicted to result in loss of function through nonsense-mediated decay of the encoded transcript or premature truncation of the encoded protein in a gene in which loss of function is a known mechanism of disease (ACMG/AMP: PVS1; PMIDs:30967618, 36835493).

Dr. Peter K. Rogan Lab, Western University
No classification provided (evidence only). Condition: Lung cancer. Review status: no classification provided. Collection method: in vitro. Allele origin: not applicable. Functional consequence: skipped exon, retained intron. Not counted in ClinVar's aggregate classification.

Dr. Peter K. Rogan Lab, Western University
No classification provided (evidence only). Condition: Familial cancer of breast. Review status: no classification provided. Collection method: in vitro. Allele origin: not applicable. Functional consequence: retained intron. Not counted in ClinVar's aggregate classification.

Literature cited by the submitters: PubMed 30967618 (cited by Institute for Genomic Medicine (IGM) Clinical Laboratory, Nationwide Children's Hospital); PubMed 36835493 (cited by Institute for Genomic Medicine (IGM) Clinical Laboratory, Nationwide Children's Hospital).

NM_014953.5(DIS3):c.2511+1G>C

Gene: DIS3 (DIS3 exosome endoribonuclease and 3'-5' exoribonuclease; minus strand). Cytogenetic location: 13q21.33.
Variant type: single nucleotide variant.
Coding change: c.2511+1G>C on transcript NM_014953.5 (MANE Select); the canonical splice donor site of the intron after coding-DNA position 2511, G replaced by C.
Molecular consequence: splice donor variant.
Genome position (GRCh38, 1-based): chr13:72,761,645, C>G on the plus strand (G>C on the coding strand, the complement: DIS3 is on the minus strand). VCF-style: chr13-72761645-C-G. GRCh37 (hg19) VCF-style: chr13-73335783-C-G.
Other names: NC_000013.10:g.73335783C>G; c.2142+1G>C (NM_001322348.2); c.2421+1G>C (NM_001128226.3); c.2025+1G>C (NM_001322349.2).
Identifiers: ClinVar variation 4393395 (VCV004393395.2).
Genomic context (GRCh38, chr13:72,761,645, plus strand): 5'-AATTAAATTAAAAATGAACAAAACTTCATTTTTTCTAGCAGTATCGACAAAAGGCAAATA[C>G]CTGGGTATGAAAAGCCACTGATGCACGTTGGGCATATTGAGCCATTTTGTGCCGGAAATT-3'